The following is an entry in ClinVar:

NM_021098.3(CACNA1H):c.2482A>G (p.Ser828Gly)

Gene: CACNA1H (calcium voltage-gated channel subunit alpha1 H; plus strand). Cytogenetic location: 16p13.3.
Variant type: single nucleotide variant.
Coding change: c.2482A>G on transcript NM_021098.3 (MANE Select); coding-DNA position 2482, A replaced by G.
Protein change: p.Ser828Gly; replaces serine 828 with glycine.
Molecular consequence: missense variant.
Genome position (GRCh38, 1-based): chr16:1,205,144, A>G. VCF-style: chr16-1205144-A-G. GRCh37 (hg19) VCF-style: chr16-1255144-A-G.
Other names: c.2482A>G, p.Ser828Gly (NM_001005407.2); short protein forms S828G.
Identifiers: ClinVar variation 1959609 (VCV001959609.6), dbSNP rs1411455612, ClinGen allele CA394167338.

ClinVar aggregate classification (germline): Uncertain significance. Review status: criteria provided, multiple submitters, no conflicts (2 of 4 stars). 2 submissions from 2 submitters: Uncertain significance (2). Last evaluated 2024-06-21.

Conditions:
Hyperaldosteronism, familial, type IV (HALD4). Also called: FH IV; ALDOSTERONISM, PRIMARY, AND HYPERTENSION. Identifiers: Orphanet 642671, MedGen C4310756, MONDO:0014875, OMIM 617027.
Idiopathic generalized epilepsy. Also called: Generalised epilepsy; EIG. Identifiers: MedGen C0270850, MONDO:0005579, OMIM 600669.
Epilepsy, childhood absence, susceptibility to, 6. Identifiers: Orphanet 64280, MedGen C2749872, MONDO:0012763, OMIM 611942.

Allele frequency attached by ClinVar (database versions not stated): gnomAD 0.00001; TOPMed 0.00001.
gnomAD v4.1: 4 of 1,612,622 alleles (0.00025%); highest among the groups gnomAD compares: South Asian, 0.0011%; no homozygotes.

Submissions (2):

Fulgent Genetics
Classification: Uncertain significance for Epilepsy, childhood absence, susceptibility to, 6; Hyperaldosteronism, familial, type IV. Last evaluated: 2024-06-21. Review status: criteria provided, single submitter. Criteria: ACMG Guidelines, 2015. Collection method: clinical testing. Allele origin: germline.

Labcorp Genetics (formerly Invitae), Labcorp
Classification: Uncertain significance for Idiopathic generalized epilepsy; Hyperaldosteronism, familial, type IV. Last evaluated: 2022-08-09. Review status: criteria provided, single submitter. Criteria: Invitae Variant Classification Sherloc (09022015). Collection method: clinical testing. Allele origin: germline.
Comment: This variant has not been reported in the literature in individuals affected with CACNA1H-related conditions. Advanced modeling of protein sequence and biophysical properties (such as structural, functional, and spatial information, amino acid conservation, physicochemical variation, residue mobility, and thermodynamic stability) performed at Invitae indicates that this missense variant is not expected to disrupt CACNA1H protein function. In summary, the available evidence is currently insufficient to determine the role of this variant in disease. Therefore, it has been classified as a Variant of Uncertain Significance. This variant is not present in population databases (gnomAD no frequency). This sequence change replaces serine, which is neutral and polar, with glycine, which is neutral and non-polar, at codon 828 of the CACNA1H protein (p.Ser828Gly).